The following is an entry in ClinVar:

NM_001305581.2(LRMDA):c.191A>C (p.Gln64Pro)

Genes: LRMDA (leucine rich melanocyte differentiation associated; plus strand), LOC110121427 (VISTA enhancer hs1679; plus strand). Cytogenetic location: 10q22.3.
Variant type: single nucleotide variant.
Coding change: c.191A>C on transcript NM_001305581.2 (MANE Select); coding-DNA position 191, A replaced by C.
Protein change: p.Gln64Pro; replaces glutamine 64 with proline.
Molecular consequence: missense variant. On other transcripts: non-coding transcript variant (1).
Genome position (GRCh38, 1-based): chr10:76,036,067, A>C. VCF-style: chr10-76036067-A-C. GRCh37 (hg19) VCF-style: chr10-77795825-A-C.
Other names: c.107A>C, p.Gln36Pro (NM_032024.5); short protein forms Q36P, Q64P.
Identifiers: ClinVar variation 1962964 (VCV001962964.5), dbSNP rs941611169, ClinGen allele CA209981551.

ClinVar aggregate classification (germline): Uncertain significance (1 of 4 stars; one submission).

Allele frequency attached by ClinVar (database versions not stated): gnomAD exomes below 0.00001; gnomAD 0.00001; TOPMed 0.00002.
gnomAD v4.1: 4 of 1,614,056 alleles (0.00025%); highest among the groups gnomAD compares: Non-Finnish European, 0.00034%; no homozygotes.

Submission:

Labcorp Genetics (formerly Invitae), Labcorp
Classification: Uncertain significance. Last evaluated: 2022-06-01. Review status: criteria provided, single submitter. Criteria: Invitae Variant Classification Sherloc (09022015). Collection method: clinical testing. Allele origin: germline.
Comment: In summary, the available evidence is currently insufficient to determine the role of this variant in disease. Therefore, it has been classified as a Variant of Uncertain Significance. Algorithms developed to predict the effect of missense changes on protein structure and function (SIFT, PolyPhen-2, Align-GVGD) all suggest that this variant is likely to be tolerated. This variant has not been reported in the literature in individuals affected with C10orf11-related conditions. This variant is present in population databases (no rsID available, gnomAD 0.0009%). This sequence change replaces glutamine, which is neutral and polar, with proline, which is neutral and non-polar, at codon 36 of the C10orf11 protein (p.Gln36Pro).